The following is an entry in ClinVar:

ClinVar aggregate classification (germline): Uncertain significance (1 of 4 stars; one submission).

Conditions:
Hereditary spastic paraplegia 11. Also called: Nakamura Osame syndrome; Autosomal recessive hereditary spastic paraplegia, mental impairment, and thin corpus callosum; Spastic paraplegia, mental retardation and thin corpus callosum; SPASTIC PARAPLEGIA, AUTOSOMAL RECESSIVE, COMPLICATED, WITH THIN CORPUS CALLOSUM; SPASTIC PARAPLEGIA, AUTOSOMAL RECESSIVE, WITH MENTAL IMPAIRMENT AND THIN CORPUS CALLOSUM; Spastic Paraplegia 11. Identifiers: Orphanet 2822, MedGen C1858479, MONDO:0011445, OMIM 604360.

Allele frequency attached by ClinVar (database versions not stated): gnomAD exomes below 0.00001; TOPMed 0.00001.
gnomAD v4.1: 1 of 1,614,168 alleles (0.000062%); highest among the groups gnomAD compares: African/African-American, 0.0013%; no homozygotes.

Submission:

Labcorp Genetics (formerly Invitae), Labcorp
Classification: Uncertain significance for Hereditary spastic paraplegia 11. Last evaluated: 2023-11-13. Review status: criteria provided, single submitter. Criteria: Invitae Variant Classification Sherloc (09022015). Collection method: clinical testing. Allele origin: germline.
Comment: This sequence change replaces leucine, which is neutral and non-polar, with valine, which is neutral and non-polar, at codon 2150 of the SPG11 protein (p.Leu2150Val). The frequency data for this variant in the population databases is considered unreliable, as metrics indicate poor data quality at this position in the gnomAD database. This variant has not been reported in the literature in individuals affected with SPG11-related conditions. ClinVar contains an entry for this variant (Variation ID: 959368). Advanced modeling of protein sequence and biophysical properties (such as structural, functional, and spatial information, amino acid conservation, physicochemical variation, residue mobility, and thermodynamic stability) performed at Invitae indicates that this missense variant is expected to disrupt SPG11 protein function with a positive predictive value of 80%. In summary, the available evidence is currently insufficient to determine the role of this variant in disease. Therefore, it has been classified as a Variant of Uncertain Significance.

NM_025137.4(SPG11):c.6448C>G (p.Leu2150Val)

Gene: SPG11 (SPG11 vesicle trafficking associated, spatacsin; minus strand). Cytogenetic location: 15q21.1.
Variant type: single nucleotide variant.
Coding change: c.6448C>G on transcript NM_025137.4 (MANE Select); coding-DNA position 6448, C replaced by G.
Protein change: p.Leu2150Val; replaces leucine 2150 with valine.
Molecular consequence: missense variant.
Genome position (GRCh38, 1-based): chr15:44,570,554, G>C on the plus strand (C>G on the coding strand, the complement: SPG11 is on the minus strand). VCF-style: chr15-44570554-G-C. GRCh37 (hg19) VCF-style: chr15-44862752-G-C.
Other names: c.6109C>G, p.Leu2037Val (NM_001160227.2); short protein forms L2150V, L2037V.
Identifiers: ClinVar variation 959368 (VCV000959368.7), dbSNP rs1403957064, ClinGen allele CA392216289.
Genomic context (GRCh38, chr15:44,570,554, plus strand): 5'-GATGGAGACTGGGGTTGAGGGGGCTACTTACCACCAGCCCATACTCCTCACTGGGGGCCA[G>C]GTGGTTATCTGTGAGCATGTGGGCGGCCTGTAGGACTCGGATGATGCCCTCCATGTGGCA-3'
Protein context (NP_079413.3, residues 2140-2160): QAAHMLTDNH[Leu2150Val]APSEEYGLVV